The following is an entry in ClinVar:

NM_003482.4(KMT2D):c.1529C>G (p.Ser510Ter)

Gene: KMT2D (lysine methyltransferase 2D; minus strand). Cytogenetic location: 12q13.12.
Variant type: single nucleotide variant.
Coding change: c.1529C>G on transcript NM_003482.4 (MANE Select); coding-DNA position 1529, C replaced by G.
Protein change: p.Ser510Ter; replaces serine 510 with a stop codon.
Molecular consequence: nonsense.
Genome position (GRCh38, 1-based): chr12:49,052,154, G>C on the plus strand (C>G on the coding strand, the complement: KMT2D is on the minus strand). VCF-style: chr12-49052154-G-C. GRCh37 (hg19) VCF-style: chr12-49445937-G-C.
Other names: short protein forms S510*.
Identifiers: ClinVar variation 661208 (VCV000661208.7), dbSNP rs1592157335, ClinGen allele CA384674605.

ClinVar aggregate classification (germline): Pathogenic (1 of 4 stars; one submission).

Conditions:
Kabuki syndrome. Also called: NIIKAWA-KUROKI SYNDROME; Kabuki make-up syndrome. Identifiers: Orphanet 2322, MedGen C0796004, MONDO:0016512.

Submission:

Labcorp Genetics (formerly Invitae), Labcorp
Classification: Pathogenic for Kabuki syndrome. Last evaluated: 2018-08-30. Review status: criteria provided, single submitter. Criteria: Invitae Variant Classification Sherloc (09022015). Collection method: clinical testing. Allele origin: germline.
Comment: This sequence change creates a premature translational stop signal (p.Ser510*) in the KMT2D gene. It is expected to result in an absent or disrupted protein product. This variant is not present in population databases (ExAC no frequency). This variant has not been reported in the literature in individuals with KMT2D-related disease. Loss-of-function variants in KMT2D are known to be pathogenic (PMID: 22126750). For these reasons, this variant has been classified as Pathogenic.

Literature cited by the submitters: PubMed 22126750.